The following is an entry in ClinVar:

ClinVar aggregate classification (germline): Likely pathogenic (1 of 4 stars; one submission).

Conditions:
Bifunctional peroxisomal enzyme deficiency (DBIF). Also called: DBP DEFICIENCY; PBFE DEFICIENCY; D-bifunctional protein deficiency. Identifiers: Orphanet 300, MedGen C0342870, MONDO:0009855, OMIM 261515. Disease mechanism: loss of function.

Submission:

Myriad Genetics, Inc.
Classification: Likely pathogenic for Bifunctional peroxisomal enzyme deficiency. Last evaluated: 2022-03-08. Review status: criteria provided, single submitter. Criteria: Myriad Autosomal Dominant, Autosomal Recessive and X-Linked Classification Criteria (2023). Collection method: clinical testing. Allele origin: unknown.
Comment: NM_000414.3(HSD17B4):c.1660_1661delTC(S554Kfs*6) is expected to be pathogenic in the context of HSD17B4-related disorders. This variant is predicted to lead to an abnormal or absent protein product due to the creation of a premature termination codon in HSD17B4, a gene where loss-of-function variants are known to be pathogenic. Please note: this variant was assessed in the context of healthy population screening.

NM_000414.4(HSD17B4):c.1660_1661del (p.Ser554fs)

Gene: HSD17B4 (hydroxysteroid 17-beta dehydrogenase 4; plus strand). Cytogenetic location: 5q23.1.
Variant type: Deletion.
Coding change: c.1660_1661del on transcript NM_000414.4 (MANE Select); coding-DNA positions 1660 to 1661, 2 bases deleted (TC; older notation c.1660_1661delTC).
Protein change: p.Ser554fs; shifts the reading frame from serine 554.
Molecular consequence: frameshift variant. On other transcripts: non-coding transcript variant (2).
Genome position (GRCh38, 1-based): chr5:119,526,003-119,526,004, TC deleted. VCF-style (leftmost placement, unchanged base first): chr5-119526002-GTC-G. GRCh37 (hg19) VCF-style: chr5-118861697-GTC-G.
Other names: c.1735_1736del, p.Ser579fs (NM_001199291.3); c.1606_1607del, p.Ser536fs (NM_001199292.2); c.1588_1589del, p.Ser530fs (NM_001292027.2, NM_001374498.1); c.1240_1241del, p.Ser414fs (NM_001292028.2); c.1651_1652del, p.Ser551fs (NM_001374497.1); c.1333_1334del, p.Ser445fs (NM_001374499.1); c.1219_1220del, p.Ser407fs (NM_001374500.1); c.1249_1250del, p.Ser417fs (NM_001374501.1, NM_001374502.1, NM_001374503.1); short protein forms S407fs, S414fs, S417fs, S445fs, S530fs, S536fs, S551fs, S554fs.
Identifiers: ClinVar variation 1725096 (VCV001725096.3), dbSNP rs2531912705, ClinGen allele CA2580072426.